The following is an entry in ClinVar:

ClinVar aggregate classification (germline): Uncertain significance (1 of 4 stars; one submission).

Conditions:
Familial thoracic aortic aneurysm and aortic dissection (TAAD). Also called: Thoracic aortic aneurysms and dissections. Identifiers: Orphanet 91387, MedGen C4707243, MONDO:0019625.

Submission:

Color Diagnostics, LLC DBA Color Health
Classification: Uncertain significance for Familial thoracic aortic aneurysm and aortic dissection. Last evaluated: 2024-03-06. Review status: criteria provided, single submitter. Criteria: ACMG Guidelines, 2015. Collection method: clinical testing. Allele origin: germline.
Comment: This missense variant replaces aspartic acid with glycine at codon 386 of the TGFBR1 protein. Computational prediction tool is inconclusive regarding the impact of this variant on protein structure and function (internally defined REVEL score threshold 0.5 < inconclusive < 0.7, PMID: 27666373). Splice site prediction tools suggest that this variant may not impact RNA splicing. To our knowledge, functional studies have not been performed for this variant. This variant has not been reported in individuals affected with cardiovascular disorders in the literature. This variant has not been identified in the general population by the Genome Aggregation Database (gnomAD). The available evidence is insufficient to determine the role of this variant in disease conclusively. Therefore, this variant is classified as a Variant of Uncertain Significance.

NM_004612.4(TGFBR1):c.1157A>G (p.Asp386Gly)

Gene: TGFBR1 (transforming growth factor beta receptor 1; plus strand). Cytogenetic location: 9q22.33.
Variant type: single nucleotide variant.
Coding change: c.1157A>G on transcript NM_004612.4 (MANE Select); coding-DNA position 1157, A replaced by G.
Protein change: p.Asp386Gly; replaces aspartic acid 386 with glycine.
Molecular consequence: missense variant.
Genome position (GRCh38, 1-based): chr9:99,146,511, A>G. VCF-style: chr9-99146511-A-G. GRCh37 (hg19) VCF-style: chr9-101908793-A-G.
Other names: c.926A>G, p.Asp309Gly (NM_001130916.3); c.1169A>G, p.Asp390Gly (NM_001306210.2); short protein forms D309G, D386G, D390G.
Identifiers: ClinVar variation 924075 (VCV000924075.4), dbSNP rs1827800557, ClinGen allele CA374232732.